The following is an entry in ClinVar:

NM_001377229.1(DISP1):c.2705G>A (p.Gly902Glu)

Gene: DISP1 (dispatched RND transporter family member 1; plus strand). Cytogenetic location: 1q41.
Variant type: single nucleotide variant.
Coding change: c.2705G>A on transcript NM_001377229.1 (MANE Select); coding-DNA position 2705, G replaced by A.
Protein change: p.Gly902Glu; replaces glycine 902 with glutamic acid.
Molecular consequence: missense variant.
Genome position (GRCh38, 1-based): chr1:223,004,102, G>A. VCF-style: chr1-223004102-G-A. GRCh37 (hg19) VCF-style: chr1-223177444-G-A.
Other names: c.1976G>A, p.Gly659Glu (NM_001350630.2); c.2705G>A, p.Gly902Glu (NM_001369594.1, NM_001377228.1, NM_032890.5); short protein forms G902E, G659E.
Identifiers: ClinVar variation 2264175 (VCV002264175.5), dbSNP rs143532301, ClinGen allele CA1409280.

ClinVar aggregate classification (germline): Uncertain significance. Review status: criteria provided, multiple submitters, no conflicts (2 of 4 stars). 2 submissions from 2 submitters: Uncertain significance (2). Last evaluated 2023-10-16.

Allele frequency attached by ClinVar (database versions not stated): gnomAD 0.00003; gnomAD exomes 0.00004; TOPMed 0.00004; ExAC 0.00005; ESP Exome Variant Server 0.00015.
gnomAD v4.1: 70 of 1,613,954 alleles (0.0043%); highest among the groups gnomAD compares: Non-Finnish European, 0.0012%; 1 homozygote.

Submissions (2):

Labcorp Genetics (formerly Invitae), Labcorp
Classification: Uncertain significance. Last evaluated: 2023-10-16. Review status: criteria provided, single submitter. Criteria: Invitae Variant Classification Sherloc (09022015). Collection method: clinical testing. Allele origin: germline.
Comment: This sequence change replaces glycine, which is neutral and non-polar, with glutamic acid, which is acidic and polar, at codon 902 of the DISP1 protein (p.Gly902Glu). This variant is present in population databases (rs143532301, gnomAD 0.2%), and has an allele count higher than expected for a pathogenic variant. This variant has not been reported in the literature in individuals affected with DISP1-related conditions. ClinVar contains an entry for this variant (Variation ID: 2264175). An algorithm developed to predict the effect of missense changes on protein structure and function (PolyPhen-2) suggests that this variant is likely to be tolerated. In summary, the available evidence is currently insufficient to determine the role of this variant in disease. Therefore, it has been classified as a Variant of Uncertain Significance.

Ambry Genetics
Classification: Uncertain significance. Last evaluated: 2022-12-05. Review status: criteria provided, single submitter. Criteria: Ambry Variant Classification Scheme 2023. Collection method: clinical testing. Allele origin: germline.